The following is an entry in ClinVar:

ClinVar aggregate classification (germline): Uncertain significance. Review status: criteria provided, multiple submitters, no conflicts (2 of 4 stars). 2 submissions from 2 submitters: Uncertain significance (2). Last evaluated 2026-07-06.

Conditions:
Hereditary cancer-predisposing syndrome. Also called: Hereditary Cancer Syndrome; Neoplastic Syndromes, Hereditary; Hereditary neoplastic syndrome; Tumor predisposition. Identifiers: Orphanet 140162, MedGen C0027672, MeSH D009386, MONDO:0015356.
Haddad syndrome (OHD). Also called: Ondine-Hirschsprung disease. Identifiers: Orphanet 99803, MedGen C1859049, MONDO:0020493.

Submissions (2):

Ambry Genetics
Classification: Uncertain significance for Hereditary cancer-predisposing syndrome. Last evaluated: 2026-07-06. Review status: criteria provided, single submitter. Criteria: Ambry Variant Classification Scheme 2023. Collection method: clinical testing. Allele origin: germline.
Comment: The p.A53D variant (also known as c.158C>A), located in coding exon 1 of the PHOX2B gene, results from a C to A substitution at nucleotide position 158. The alanine at codon 53 is replaced by aspartic acid, an amino acid with dissimilar properties. This amino acid position is conserved. In addition, this alteration is predicted to be deleterious by in silico analysis. Based on the available evidence, the clinical significance of this variant remains unclear.

Labcorp Genetics (formerly Invitae), Labcorp
Classification: Uncertain significance for Haddad syndrome. Last evaluated: 2021-08-27. Review status: criteria provided, single submitter. Criteria: Invitae Variant Classification Sherloc (09022015). Collection method: clinical testing. Allele origin: germline.
Comment: In summary, the available evidence is currently insufficient to determine the role of this variant in disease. Therefore, it has been classified as a Variant of Uncertain Significance. Algorithms developed to predict the effect of missense changes on protein structure and function (SIFT, PolyPhen-2, Align-GVGD) all suggest that this variant is likely to be disruptive. This variant has not been reported in the literature in individuals affected with PHOX2B-related conditions. This variant is not present in population databases (ExAC no frequency). This sequence change replaces alanine with aspartic acid at codon 53 of the PHOX2B protein (p.Ala53Asp). The alanine residue is highly conserved and there is a moderate physicochemical difference between alanine and aspartic acid.

NM_003924.4(PHOX2B):c.158C>A (p.Ala53Asp)

Genes: PHOX2B (paired like homeobox 2B; minus strand), PHOX2B-AS1 (PHOX2B antisense RNA 1; plus strand). Cytogenetic location: 4p13.
Variant type: single nucleotide variant.
Coding change: c.158C>A on transcript NM_003924.4 (MANE Select); coding-DNA position 158, C replaced by A.
Protein change: p.Ala53Asp; replaces alanine 53 with aspartic acid.
Molecular consequence: missense variant.
Genome position (GRCh38, 1-based): chr4:41,748,453, G>T on the plus strand (C>A on the coding strand, the complement: PHOX2B is on the minus strand). VCF-style: chr4-41748453-G-T. GRCh37 (hg19) VCF-style: chr4-41750470-G-T.
Other names: c.158C>A (NM_003924.3); short protein forms A53D.
Identifiers: ClinVar variation 1349204 (VCV001349204.7), dbSNP rs1488529123, ClinGen allele CA356740955.
Genomic context (GRCh38, chr4:41,748,453, plus strand): 5'-TGGTCCCTGAGGGTGCCCAGGCTGCAGGATCCCGGCGTGAGGGAAGGGCAGCCGGACGTG[G>T]CCCCAAAAGTGGTCCTTATCGGGTTATACTGGAAGCCACTGGCCTGGCTGCAGGAACTGA-3'
Protein context (NP_003915.2, residues 43-63): QYNPIRTTFG[Ala53Asp]TSGCPSLTPG